The following is an entry in ClinVar:

ClinVar aggregate classification (germline): Uncertain significance (1 of 4 stars; one submission).

Submission:

Labcorp Genetics (formerly Invitae), Labcorp
Classification: Uncertain significance. Last evaluated: 2022-02-20. Review status: criteria provided, single submitter. Criteria: Invitae Variant Classification Sherloc (09022015). Collection method: clinical testing. Allele origin: germline.
Comment: In summary, the available evidence is currently insufficient to determine the role of this variant in disease. Therefore, it has been classified as a Variant of Uncertain Significance. Algorithms developed to predict the effect of sequence changes on RNA splicing suggest that this variant may disrupt the consensus splice site. This variant has not been reported in the literature in individuals affected with UROD-related conditions. This variant is not present in population databases (gnomAD no frequency). This sequence change falls in intron 5 of the UROD gene. It does not directly change the encoded amino acid sequence of the UROD protein.

NM_000374.5(UROD):c.475-11T>G

Gene: UROD (uroporphyrinogen decarboxylase; plus strand). Cytogenetic location: 1p34.1.
Variant type: single nucleotide variant.
Coding change: c.475-11T>G on transcript NM_000374.5 (MANE Select); 11 bases into the intron before coding-DNA position 475, T replaced by G.
Molecular consequence: intron variant.
Genome position (GRCh38, 1-based): chr1:45,013,898, T>G. VCF-style: chr1-45013898-T-G. GRCh37 (hg19) VCF-style: chr1-45479570-T-G.
Identifiers: ClinVar variation 2100224 (VCV002100224.4), dbSNP rs2522918653, ClinGen allele CA2580062899.